The following is an entry in ClinVar:

NM_015443.4(KANSL1):c.2667-3C>T

Gene: KANSL1 (KAT8 regulatory NSL complex subunit 1). Cytogenetic location: 17q21.31.
Variant type: single nucleotide variant.
Coding change: c.2667-3C>T on transcript NM_015443.4 (MANE Select); 3 bases into the intron before coding-DNA position 2667, C replaced by T.
Molecular consequence: intron variant.
Genome position (GRCh38, 1-based): chr17:46,033,463, G>A on the plus strand (C>T on the coding strand, the complement: KANSL1 is on the minus strand). VCF-style: chr17-46033463-G-A. GRCh37 (hg19) VCF-style: chr17-44110829-G-A.
Other names: c.2664-3C>T (NM_001193465.2); c.2667-3C>T (NM_001379198.1, NM_001193466.2).
Identifiers: ClinVar variation 1464200 (VCV001464200.1), dbSNP rs766948021, ClinGen allele CA8618494.
Genomic context (GRCh38, chr17:46,033,463, plus strand): 5'-CTCTTCATTCTCCTCATCAGGACTCCCCTTCAGAGACTGAAGATCAACCTCCCGCCAGCT[G>A]CAAAACCAAGAACAGACAATCATGAGATGGCAAGCAGGCTAAAACTGGGGGCAGGGTCAA-3'

ClinVar aggregate classification (germline): Uncertain significance (1 of 4 stars; one submission).

Conditions:
Koolen-de Vries syndrome (KDVS). Identifiers: Orphanet 96169, MedGen C1864871, MONDO:0012496, OMIM 610443.

Allele frequency attached by ClinVar (database versions not stated): ExAC 0.00001.

Submission:

Labcorp Genetics (formerly Invitae), Labcorp
Classification: Uncertain significance for Koolen-de Vries syndrome. Last evaluated: 2021-01-08. Review status: criteria provided, single submitter. Criteria: Invitae Variant Classification Sherloc (09022015). Collection method: clinical testing. Allele origin: germline.
Comment: This sequence change falls in intron 11 of the KANSL1 gene. It does not directly change the encoded amino acid sequence of the KANSL1 protein. It affects a nucleotide within the consensus splice site of the intron. This variant is present in population databases (rs766948021, ExAC 0.02%). This variant has not been reported in the literature in individuals with KANSL1-related conditions. Nucleotide substitutions within the consensus splice site are a relatively common cause of aberrant splicing (PMID: 17576681, 9536098). Algorithms developed to predict the effect of sequence changes on RNA splicing suggest that this variant may disrupt the consensus splice site, but this prediction has not been confirmed by published transcriptional studies. In summary, the available evidence is currently insufficient to determine the role of this variant in disease. Therefore, it has been classified as a Variant of Uncertain Significance.

Literature cited by the submitters: PubMed 17576681; PubMed 9536098.